The following is an entry in ClinVar:

ClinVar aggregate classification (germline): Likely pathogenic (1 of 4 stars; one submission).

Conditions:
Radio-Tartaglia syndrome. Identifiers: Orphanet 662234, MedGen C5543339, MONDO:0859143, OMIM 619312.

Submission:

Laboratorio de Genetica e Diagnostico Molecular, Hospital Israelita Albert Einstein
Classification: Likely pathogenic for Radio-Tartaglia syndrome. Last evaluated: 2024-11-18. Review status: criteria provided, single submitter. Criteria: ACMG Guidelines, 2015. Collection method: clinical testing. Allele origin: germline. Affected: yes.
Comment: ACMG classification criteria: PVS1 very strong, PM2 supporting

NM_015001.3(SPEN):c.3308C>G (p.Ser1103Ter)

Gene: SPEN (spen family transcriptional repressor; plus strand). Cytogenetic location: 1p36.13.
Variant type: single nucleotide variant.
Coding change: c.3308C>G on transcript NM_015001.3 (MANE Select); coding-DNA position 3308, C replaced by G.
Protein change: p.Ser1103Ter; replaces serine 1103 with a stop codon.
Molecular consequence: nonsense.
Genome position (GRCh38, 1-based): chr1:15,929,548, C>G. VCF-style: chr1-15929548-C-G. GRCh37 (hg19) VCF-style: chr1-16256043-C-G.
Other names: short protein forms S1103*.
Identifiers: ClinVar variation 4076204 (VCV004076204.1).